The following is an entry in ClinVar:

NM_000081.4(LYST):c.1217A>G (p.Glu406Gly)

Gene: LYST (lysosomal trafficking regulator; minus strand). Cytogenetic location: 1q42.3.
Variant type: single nucleotide variant.
Coding change: c.1217A>G on transcript NM_000081.4 (MANE Select); coding-DNA position 1217, A replaced by G.
Protein change: p.Glu406Gly; replaces glutamic acid 406 with glycine.
Molecular consequence: missense variant.
Genome position (GRCh38, 1-based): chr1:235,809,601, T>C on the plus strand (A>G on the coding strand, the complement: LYST is on the minus strand). VCF-style: chr1-235809601-T-C. GRCh37 (hg19) VCF-style: chr1-235972901-T-C.
Other names: c.1217A>G, p.Glu406Gly (NM_001301365.1); short protein forms E406G.
Identifiers: ClinVar variation 1019748 (VCV001019748.4), dbSNP rs762235866, ClinGen allele CA1467495.

ClinVar aggregate classification (germline): Uncertain significance (1 of 4 stars; one submission).

Conditions:
Chédiak-Higashi syndrome (CHS). Also called: Chediak-Higashi Syndrome. Identifiers: Orphanet 167, MedGen C0007965, MONDO:0008963, OMIM 214500.

Allele frequency attached by ClinVar (database versions not stated): gnomAD exomes 0.00003; ExAC 0.00005; TOPMed 0.00005.
gnomAD v4.1: 20 of 1,614,004 alleles (0.0012%); highest among the groups gnomAD compares: Admixed American, 0.033%; no homozygotes.

Submission:

Labcorp Genetics (formerly Invitae), Labcorp
Classification: Uncertain significance for Chédiak-Higashi syndrome. Last evaluated: 2022-08-23. Review status: criteria provided, single submitter. Criteria: Invitae Variant Classification Sherloc (09022015). Collection method: clinical testing. Allele origin: germline.
Comment: This sequence change replaces glutamic acid, which is acidic and polar, with glycine, which is neutral and non-polar, at codon 406 of the LYST protein (p.Glu406Gly). This variant is present in population databases (rs762235866, gnomAD 0.06%). This variant has not been reported in the literature in individuals affected with LYST-related conditions. ClinVar contains an entry for this variant (Variation ID: 1019748). Algorithms developed to predict the effect of missense changes on protein structure and function (SIFT, PolyPhen-2, Align-GVGD) all suggest that this variant is likely to be tolerated. In summary, the available evidence is currently insufficient to determine the role of this variant in disease. Therefore, it has been classified as a Variant of Uncertain Significance.